The following is an entry in ClinVar:

NM_006493.4(CLN5):c.84G>A (p.Trp28Ter)

Genes: CLN5 (CLN5 lysosomal BMP synthase; plus strand), LOC130009913 (ATAC-STARR-seq lymphoblastoid silent region 5414; plus strand). Cytogenetic location: 13q22.3.
Variant type: single nucleotide variant.
Coding change: c.84G>A on transcript NM_006493.4 (MANE Select); coding-DNA position 84, G replaced by A.
Protein change: p.Trp28Ter; replaces tryptophan 28 with a stop codon.
Molecular consequence: nonsense.
Genome position (GRCh38, 1-based): chr13:76,992,182, G>A. VCF-style: chr13-76992182-G-A. GRCh37 (hg19) VCF-style: chr13-77566317-G-A.
Other names: c.231G>A (LRG_692t1); c.84G>A, p.Trp28Ter (NM_001366624.2); short protein forms W28*.
Identifiers: ClinVar variation 451600 (VCV000451600.14), dbSNP rs200348035, ClinGen allele CA7007121.
Genomic context (GRCh38, chr13:76,992,182, plus strand): 5'-ACAGGGCGCCGAGATGCGGCGGGGCGCGGGCGCGGCTCGGGGACGCGCTTCCTGGTGCTG[G>A]GCCCTGGCGCTGCTTTGGCTCGCGGTGGTTCCGGGCTGGTCCCGGGTCTCGGGCATCCCC-3'

ClinVar aggregate classification (germline): Pathogenic/Likely pathogenic. Review status: criteria provided, multiple submitters, no conflicts (2 of 4 stars). 5 submissions from 5 submitters: Pathogenic (2); Likely pathogenic (2). 1 of the submissions does not count toward it. Last evaluated 2026-01-04.

Conditions:
Neuronal ceroid lipofuscinosis. Also called: Neuronal Ceroid Lipofuscinoses. Identifiers: Orphanet 216, Orphanet 79263, MedGen C0027877, MONDO:0016295. Disease mechanism: loss of function.
Neuronal ceroid lipofuscinosis 5 (CLN5). Also called: CEROID LIPOFUSCINOSIS, NEURONAL, 5, VARIABLE AGE AT ONSET; Neuronal ceroid lipofuscinosis Finnish variant; NEURONAL CEROID LIPOFUSCINOSIS, LATE INFANTILE, FINNISH VARIANT; CLN5-Related Neuronal Ceroid-Lipofuscinosis. Identifiers: Orphanet 168491, Orphanet 228360, MedGen C1850442, MONDO:0009745, OMIM 256731.

Allele frequency attached by ClinVar (database versions not stated): gnomAD exomes below 0.00001; ExAC 0.00001; TOPMed 0.00001; ESP Exome Variant Server 0.00008.

Submissions (5):

Labcorp Genetics (formerly Invitae), Labcorp
Classification: Pathogenic for Neuronal ceroid lipofuscinosis. Last evaluated: 2026-01-04. Review status: criteria provided, single submitter. Criteria: Invitae Variant Classification Sherloc (09022015). Collection method: clinical testing. Allele origin: germline.
Comment: This sequence change creates a premature translational stop signal (p.Trp77*) in the CLN5 gene. It is expected to result in an absent or disrupted protein product. Loss-of-function variants in CLN5 are known to be pathogenic (PMID: 20157158). This variant is present in population databases (rs200348035, gnomAD 0.008%). This variant has not been reported in the literature in individuals affected with CLN5-related conditions. ClinVar contains an entry for this variant (Variation ID: 451600). For these reasons, this variant has been classified as Pathogenic.

Natera, Inc.
Classification: Likely pathogenic for Neuronal ceroid lipofuscinosis. Last evaluated: 2024-08-27. Review status: criteria provided, single submitter. Criteria: Natera Variant Classification Schema (03/2026). Collection method: clinical testing. Allele origin: germline.
Comment: The c.231G>A variant in CLN5 is a nonsense variant predicted to introduce a stop codon at amino acid 77. This variant is expected to result in nonsense mediated decay, truncation, or a dysfunctional protein product. This variant is rare in the general population with a frequency below the threshold expected for the associated phenotype(s). Given the available evidence, this variant is classified as Likely Pathogenic.

Baylor Genetics
Classification: Pathogenic for Neuronal ceroid lipofuscinosis 5. Last evaluated: 2023-06-06. Review status: criteria provided, single submitter. Criteria: ACMG Guidelines, 2015. Collection method: clinical testing. Allele origin: unknown.

GeneDx
Classification: Likely pathogenic. Last evaluated: 2017-08-23. Review status: criteria provided, single submitter. Criteria: GeneDx Variant Classification (06012015). Collection method: clinical testing. Allele origin: germline. Affected: yes.
Comment: A variant that is likely pathogenic has been identified in the CLN5 gene. The W77X nonsense variant has not been published as a pathogenic variant, nor has it been reported as a benign variant to our knowledge. The W77X variant is not observed at a significant frequency in large population cohorts (Lek et al., 2016; 1000 Genomes Consortium et al., 2015; Exome Variant Server). The W77X variant is predicted to cause loss of normal protein function either through protein truncation or nonsense-mediated mRNA decay. Therefore, this variant is likely pathogenic; however, the possibility that it is benign cannot be excluded.

Counsyl
Classification: Likely pathogenic for Neuronal ceroid lipofuscinosis 5. Last evaluated: 2015-06-23. Review status: no assertion criteria provided. Collection method: clinical testing. Allele origin: unknown. Not counted in ClinVar's aggregate classification.

Literature cited by the submitters: PubMed 20157158 (cited by Labcorp Genetics (formerly Invitae), Labcorp).